The following is an entry in ClinVar:

NM_001256545.2(MEGF10):c.1673G>T (p.Arg558Leu)

Gene: MEGF10 (multiple EGF like domains 10; plus strand). Cytogenetic location: 5q23.2.
Variant type: single nucleotide variant.
Coding change: c.1673G>T on transcript NM_001256545.2 (MANE Select); coding-DNA position 1673, G replaced by T.
Protein change: p.Arg558Leu; replaces arginine 558 with leucine.
Molecular consequence: missense variant.
Genome position (GRCh38, 1-based): chr5:127,422,752, G>T. VCF-style: chr5-127422752-G-T. GRCh37 (hg19) VCF-style: chr5-126758444-G-T.
Other names: p.Arg558Leu; c.1673G>T, p.Arg558Leu (NM_001308119.2, NM_001308121.2, NM_032446.3); short protein forms R558L.
Identifiers: ClinVar variation 350653 (VCV000350653.20), dbSNP rs182243856, ClinGen allele CA3391666.

ClinVar aggregate classification (germline): Conflicting classifications of pathogenicity. Review status: criteria provided, conflicting classifications (1 of 4 stars). 5 submissions from 5 submitters: Uncertain significance (1); Likely benign (3). 1 of the submissions does not count toward it. Last evaluated 2025-10-03.

Conditions:
MEGF10-related disorder. Also called: MEGF10-related condition.
MEGF10-related myopathy (CMYO10A). Also called: Congenital myopathy 10A, severe variant. Identifiers: Orphanet 439212, MedGen C3280679, MONDO:0013731, OMIM 614399.

Allele frequency attached by ClinVar (database versions not stated): TOPMed 0.00033; 1000 Genomes Project 0.00200; 1000 Genomes Project 30x 0.00203.
gnomAD v4.1: 178 of 1,613,876 alleles (0.011%); highest among the groups gnomAD compares: East Asian, 0.35%; 1 homozygote.

Submissions (5):

Mayo Clinic Laboratories, Mayo Clinic
Classification: Likely benign. Last evaluated: 2025-10-03. Review status: criteria provided, single submitter. Criteria: ACMG Guidelines, 2015. Collection method: clinical testing. Allele origin: germline. Observed: 1 variant allele.
Comment: BA1

Labcorp Genetics (formerly Invitae), Labcorp
Classification: Likely benign for MEGF10-related myopathy. Last evaluated: 2025-09-12. Review status: criteria provided, single submitter. Criteria: Invitae Variant Classification Sherloc (09022015). Collection method: clinical testing. Allele origin: germline.

Illumina Laboratory Services, Illumina
Classification: Uncertain significance for MEGF10-related myopathy. Last evaluated: 2018-01-13. Review status: criteria provided, single submitter. Criteria: ICSL Variant Classification Criteria 13 December 2019. Collection method: clinical testing. Allele origin: germline.

GeneDx
Classification: Likely benign. Last evaluated: 2017-11-08. Review status: criteria provided, single submitter. Criteria: GeneDx Variant Classification (06012015). Collection method: clinical testing. Allele origin: germline. Affected: yes.
Comment: This variant is considered likely benign or benign based on one or more of the following criteria: it is a conservative change, it occurs at a poorly conserved position in the protein, it is predicted to be benign by multiple in silico algorithms, and/or has population frequency not consistent with disease.

PreventionGenetics, part of Exact Sciences
Classification: Likely benign for MEGF10-related condition. Last evaluated: 2024-02-19. Review status: no assertion criteria provided. Collection method: clinical testing. Allele origin: germline. Not counted in ClinVar's aggregate classification.
Comment: This variant is classified as likely benign based on ACMG/AMP sequence variant interpretation guidelines (Richards et al. 2015 PMID: 25741868, with internal and published modifications).

Literature cited by the submitters: PubMed 31501239 (cited by Mayo Clinic Laboratories, Mayo Clinic).